The following is an entry in ClinVar:

NM_052947.4(ALPK2):c.6209A>G (p.Gln2070Arg)

Gene: ALPK2 (alpha kinase 2; minus strand). Cytogenetic location: 18q21.31.
Variant type: single nucleotide variant.
Coding change: c.6209A>G on transcript NM_052947.4 (MANE Select); coding-DNA position 6209, A replaced by G.
Protein change: p.Gln2070Arg; replaces glutamine 2070 with arginine.
Molecular consequence: missense variant.
Genome position (GRCh38, 1-based): chr18:58,503,969, T>C on the plus strand (A>G on the coding strand, the complement: ALPK2 is on the minus strand). VCF-style: chr18-58503969-T-C. GRCh37 (hg19) VCF-style: chr18-56171201-T-C.
Other names: short protein forms Q2070R.
Identifiers: ClinVar variation 3289743 (VCV003289743.1).

ClinVar aggregate classification (germline): Uncertain significance (1 of 4 stars; one submission).

Submission:

Ambry Genetics
Classification: Uncertain significance. Last evaluated: 2024-03-15. Review status: criteria provided, single submitter. Criteria: Ambry Variant Classification Scheme 2023. Collection method: clinical testing. Allele origin: germline.
Comment: The p.Q2070R variant (also known as c.6209A>G), located in coding exon 10 of the ALPK2 gene, results from an A to G substitution at nucleotide position 6209. The glutamine at codon 2070 is replaced by arginine, an amino acid with highly similar properties. This amino acid position is conserved. In addition, this alteration is predicted to be tolerated by in silico analysis. Based on the available evidence, the clinical significance of this alteration remains unclear.